The following is an entry in ClinVar:

ClinVar aggregate classification (germline): Uncertain significance. Review status: criteria provided, multiple submitters, no conflicts (2 of 4 stars). 5 submissions from 5 submitters: Uncertain significance (5). Last evaluated 2025-07-11.

Conditions:
Inborn genetic diseases. Identifiers: MedGen C0950123, MeSH D030342.
Autosomal recessive distal spinal muscular atrophy 1. Also called: NEURONOPATHY, SEVERE INFANTILE AXONAL, WITH RESPIRATORY FAILURE; NEURONOPATHY, DISTAL HEREDITARY MOTOR, HARDING TYPE VI; NEUROPATHY, DISTAL HEREDITARY MOTOR, AUTOSOMAL RECESSIVE 1; HMN VI; SEVERE INFANTILE AXONAL NEUROPATHY WITH RESPIRATORY FAILURE; SPINAL MUSCULAR ATROPHY, DIAPHRAGMATIC. Identifiers: Orphanet 98920, MedGen C1858517, MONDO:0011436, OMIM 604320.
Charcot-Marie-Tooth disease axonal type 2S. Also called: CHARCOT-MARIE-TOOTH NEUROPATHY, TYPE 2S; CHARCOT-MARIE-TOOTH DISEASE, AXONAL, AUTOSOMAL RECESSIVE, TYPE 2S. Identifiers: Orphanet 443073, MedGen C4015349, MONDO:0014511, OMIM 616155.
Charcot-Marie-Tooth disease. Also called: Charcot-Marie-Tooth Hereditary Neuropathy; Charcot-Marie-Tooth Neuropathy. Identifiers: Orphanet 166, MedGen C0007959, MONDO:0015626.

Allele frequency attached by ClinVar (database versions not stated): gnomAD 0.00001; gnomAD exomes 0.00001 and 0.00003; TOPMed 0.00002; ExAC 0.00004; 1000 Genomes Project 30x 0.00016; 1000 Genomes Project 0.00020.

Submissions (5):

GeneDx
Classification: Uncertain significance. Last evaluated: 2025-07-11. Review status: criteria provided, single submitter. Criteria: GeneDx Variant Classification Process June 2021. Collection method: clinical testing. Allele origin: germline. Affected: yes.
Comment: Reported previously as a variant of uncertain significance in a patient with suspected Charcot-Marie-Tooth disease; however, no further clinical information was provided (PMID: 32376792); Not observed at significant frequency in large population cohorts (gnomAD); In silico analysis supports that this missense variant has a deleterious effect on protein structure/function; This variant is associated with the following publications: (PMID: 22965130, 24388491, 25439726, 32376792)

Labcorp Genetics (formerly Invitae), Labcorp
Classification: Uncertain significance for Autosomal recessive distal spinal muscular atrophy 1; Charcot-Marie-Tooth disease axonal type 2S. Last evaluated: 2021-08-31. Review status: criteria provided, single submitter. Criteria: Invitae Variant Classification Sherloc (09022015). Collection method: clinical testing. Allele origin: germline.
Comment: This sequence change replaces lysine with glutamic acid at codon 309 of the IGHMBP2 protein (p.Lys309Glu). The lysine residue is moderately conserved and there is a small physicochemical difference between lysine and glutamic acid. This variant is present in population databases (rs200079527, ExAC 0.008%). This variant has not been reported in the literature in individuals affected with IGHMBP2-related conditions. ClinVar contains an entry for this variant (Variation ID: 439817). Advanced modeling of protein sequence and biophysical properties (such as structural, functional, and spatial information, amino acid conservation, physicochemical variation, residue mobility, and thermodynamic stability) performed at Invitae indicates that this missense variant is not expected to disrupt IGHMBP2 protein function. In summary, the available evidence is currently insufficient to determine the role of this variant in disease. Therefore, it has been classified as a Variant of Uncertain Significance.

Ambry Genetics
Classification: Uncertain significance for Inborn genetic diseases. Last evaluated: 2021-03-27. Review status: criteria provided, single submitter. Criteria: Ambry Variant Classification Scheme 2023. Collection method: clinical testing. Allele origin: germline.
Comment: The p.K309E variant (also known as c.925A>G), located in coding exon 7 of the IGHMBP2 gene, results from an A to G substitution at nucleotide position 925. The lysine at codon 309 is replaced by glutamic acid, an amino acid with similar properties. This amino acid position is well conserved in available vertebrate species. In addition, the in silico prediction for this alteration is inconclusive. Since supporting evidence is limited at this time, the clinical significance of this alteration remains unclear.

ARUP Laboratories, Molecular Genetics and Genomics, ARUP Laboratories
Classification: Uncertain significance. Last evaluated: 2019-11-11. Review status: criteria provided, single submitter. Criteria: ARUP Molecular Germline Variant Investigation Process. Collection method: clinical testing. Allele origin: germline.
Comment: The IGHMBP2 c.925A>G; p.Lys309Glu variant (rs200079527), to our knowledge, is not reported in the medical literature but is reported in ClinVar (Variation ID: 439817). This variant is found on only seven chromosomes (7/251390 alleles) in the Genome Aggregation Database. The lysine at codon 309 is moderately conserved, and computational analyses (SIFT, PolyPhen-2) predict that this variant is deleterious. However, due to limited information, the clinical significance of the p.Lys309Glu variant is uncertain at this time.

Molecular Genetics Laboratory, London Health Sciences Centre
Classification: Uncertain significance for Charcot-Marie-Tooth disease. Review status: criteria provided, single submitter. Criteria: ACMG Guidelines, 2015. Collection method: clinical testing. Allele origin: germline. Affected: yes.

NM_002180.3(IGHMBP2):c.925A>G (p.Lys309Glu)

Gene: IGHMBP2 (immunoglobulin mu DNA binding protein 2; plus strand). Cytogenetic location: 11q13.3.
Variant type: single nucleotide variant.
Coding change: c.925A>G on transcript NM_002180.3 (MANE Select); coding-DNA position 925, A replaced by G.
Protein change: p.Lys309Glu; replaces lysine 309 with glutamic acid.
Molecular consequence: missense variant.
Genome position (GRCh38, 1-based): chr11:68,917,748, A>G. VCF-style: chr11-68917748-A-G. GRCh37 (hg19) VCF-style: chr11-68685216-A-G.
Other names: short protein forms K309E.
Identifiers: ClinVar variation 439817 (VCV000439817.18), dbSNP rs200079527, ClinGen allele CA6153453.
Genomic context (GRCh38, chr11:68,917,748, plus strand): 5'-TACAAAGTTGGACTGAAGTAAGTGTATCTCCTTTGTTTTTCTTTATAGGTGAAAAACAAA[A>G]AGACCCAGGATAAGAGAGAGAAAAGTAATTTTCGAAATGAAATTAAGCTGTTAAGAAAAG-3'
Protein context (NP_002171.2, residues 299-319): DIDQVFVKNK[Lys309Glu]TQDKREKSNF